The following is an entry in ClinVar:

ClinVar aggregate classification (germline): Uncertain significance (1 of 4 stars; one submission).

gnomAD v4.1: 1 of 1,612,770 alleles (0.000062%); highest among the groups gnomAD compares: Non-Finnish European, 0.000085%; no homozygotes.

Submission:

Labcorp Genetics (formerly Invitae), Labcorp
Classification: Uncertain significance. Last evaluated: 2023-08-10. Review status: criteria provided, single submitter. Criteria: Invitae Variant Classification Sherloc (09022015). Collection method: clinical testing. Allele origin: germline.
Comment: In summary, the available evidence is currently insufficient to determine the role of this variant in disease. Therefore, it has been classified as a Variant of Uncertain Significance. Advanced modeling of protein sequence and biophysical properties (such as structural, functional, and spatial information, amino acid conservation, physicochemical variation, residue mobility, and thermodynamic stability) performed at Invitae indicates that this missense variant is expected to disrupt ABCC6 protein function. ClinVar contains an entry for this variant (Variation ID: 1441375). This variant has not been reported in the literature in individuals affected with ABCC6-related conditions. This variant is not present in population databases (gnomAD no frequency). This sequence change replaces isoleucine, which is neutral and non-polar, with serine, which is neutral and polar, at codon 1344 of the ABCC6 protein (p.Ile1344Ser).

NM_001171.6(ABCC6):c.4031T>G (p.Ile1344Ser)

Gene: ABCC6 (ATP binding cassette subfamily C member 6; minus strand). Cytogenetic location: 16p13.11.
Variant type: single nucleotide variant.
Coding change: c.4031T>G on transcript NM_001171.6 (MANE Select); coding-DNA position 4031, T replaced by G.
Protein change: p.Ile1344Ser; replaces isoleucine 1344 with serine.
Molecular consequence: missense variant. On other transcripts: non-coding transcript variant (1).
Genome position (GRCh38, 1-based): chr16:16,154,883, A>C on the plus strand (T>G on the coding strand, the complement: ABCC6 is on the minus strand). VCF-style: chr16-16154883-A-C. GRCh37 (hg19) VCF-style: chr16-16248740-A-C.
Other names: c.3689T>G, p.Ile1230Ser (NM_001351800.1); short protein forms I1344S, I1230S.
Identifiers: ClinVar variation 1441375 (VCV001441375.6), dbSNP rs2152212214, ClinGen allele CA394875415.